The following is an entry in ClinVar:

ClinVar aggregate classification (germline): Likely pathogenic (1 of 4 stars; one submission).

Submission:

CeGaT Center for Human Genetics Tuebingen
Classification: Likely pathogenic. Last evaluated: 2022-03-01. Review status: criteria provided, single submitter. Criteria: CeGaT Center For Human Genetics Tuebingen Variant Classification Criteria Version 2. Collection method: clinical testing. Allele origin: germline. Affected: yes. Observed: 2 variant alleles.
Comment: GBA1: PM3:Strong, PM2, PP4:Moderate, BP4

NM_000157.4(GBA1):c.761+4A>G

Genes: GBA1 (glucosylceramidase beta 1; minus strand), LOC106627981 (GBA recombination region; plus strand). Cytogenetic location: 1q22.
Variant type: single nucleotide variant.
Coding change: c.761+4A>G on transcript NM_000157.4 (MANE Select); 4 bases into the intron after coding-DNA position 761, A replaced by G.
Molecular consequence: intron variant.
Genome position (GRCh38, 1-based): chr1:155,238,130, T>C on the plus strand (A>G on the coding strand, the complement: GBA1 is on the minus strand). VCF-style: chr1-155238130-T-C. GRCh37 (hg19) VCF-style: chr1-155207921-T-C.
Other names: c.500+4A>G (NM_001171811.2); c.761+4A>G (NM_001005742.3, NM_001005741.3); c.614+4A>G (NM_001171812.2).
Identifiers: ClinVar variation 1675378 (VCV001675378.33), dbSNP rs2148076506, ClinGen allele CA2573130588.